The following is an entry in ClinVar:

NM_012418.4(FSCN2):c.1349_1354del (p.Val450_Phe451del)

Gene: FSCN2 (fascin actin-bundling protein 2, retinal; plus strand). Cytogenetic location: 17q25.3.
Variant type: Deletion.
Coding change: c.1349_1354del on transcript NM_012418.4 (MANE Select); coding-DNA positions 1349 to 1354, 6 bases deleted (TCTTCG; older notation c.1349_1354delTCTTCG).
Protein change: p.Val450_Phe451del.
Molecular consequence: inframe deletion.
Genome position (GRCh38, 1-based): chr17:81,536,950-81,536,955, TCTTCG deleted; deleting any 6 consecutive bases within chr17:81,536,945-81,536,955 gives the same sequence; the c. name uses the placement nearest the transcript's 3' end. VCF-style (leftmost placement, unchanged base first): chr17-81536944-ACTTCGT-A. GRCh37 (hg19) VCF-style: chr17-79503970-ACTTCGT-A.
Other names: c.1421_1426del, p.Val474_Phe475del (NM_001077182.3).
Identifiers: ClinVar variation 941986 (VCV000941986.9), dbSNP rs2032905318, ClinGen allele CA1139665932.

ClinVar aggregate classification (germline): Uncertain significance (1 of 4 stars; one submission).

Submission:

Labcorp Genetics (formerly Invitae), Labcorp
Classification: Uncertain significance. Last evaluated: 2019-09-19. Review status: criteria provided, single submitter. Criteria: Invitae Variant Classification Sherloc (09022015). Collection method: clinical testing. Allele origin: germline.
Comment: In summary, the available evidence is currently insufficient to determine the role of this variant in disease. Therefore, it has been classified as a Variant of Uncertain Significance. Experimental studies and prediction algorithms are not available or were not evaluated for this variant, and the functional significance of this variant is currently unknown. This variant has not been reported in the literature in individuals with FSCN2-related conditions. This variant is not present in population databases (ExAC no frequency). This variant, c.1421_1426del, results in the deletion of 2 amino acid(s) of the FSCN2 protein (p.Val474_Phe475del), but otherwise preserves the integrity of the reading frame.